The following is an entry in ClinVar:

NM_198578.4(LRRK2):c.6586G>A (p.Asp2196Asn)

Gene: LRRK2 (leucine rich repeat kinase 2; plus strand). Cytogenetic location: 12q12.
Variant type: single nucleotide variant.
Coding change: c.6586G>A on transcript NM_198578.4 (MANE Select); coding-DNA position 6586, G replaced by A.
Protein change: p.Asp2196Asn; replaces aspartic acid 2196 with asparagine.
Molecular consequence: missense variant.
Genome position (GRCh38, 1-based): chr12:40,354,308, G>A. VCF-style: chr12-40354308-G-A. GRCh37 (hg19) VCF-style: chr12-40748110-G-A.
Other names: short protein forms D2196N.
Identifiers: ClinVar variation 3540550 (VCV003540550.1).
Genomic context (GRCh38, chr12:40,354,308, plus strand): 5'-TTGCTTAAGCTTAAATCAAATCCTGCTAAGTATATTTTCTTTTCTTAACAGGAAGTTGCT[G>A]ATAGTAGAATATTGTGCTTAGCCTTGGTGCATCTTCCTGTTGAAAAGGAAAGCTGGATTG-3'
Protein context (NP_940980.4, residues 2186-2206): TEGYTSEEVA[Asp2196Asn]SRILCLALVH

ClinVar aggregate classification (germline): Uncertain significance (1 of 4 stars; one submission).

Conditions:
Inborn genetic diseases. Identifiers: MedGen C0950123, MeSH D030342.

Submission:

Ambry Genetics
Classification: Uncertain significance for Inborn genetic diseases. Last evaluated: 2024-08-25. Review status: criteria provided, single submitter. Criteria: Ambry Variant Classification Scheme 2023. Collection method: clinical testing. Allele origin: germline.
Comment: The p.D2196N variant (also known as c.6586G>A), located in coding exon 45 of the LRRK2 gene, results from a G to A substitution at nucleotide position 6586. The aspartic acid at codon 2196 is replaced by asparagine, an amino acid with highly similar properties. This amino acid position is conserved. In addition, this alteration is predicted to be tolerated by in silico analysis. Based on the available evidence, the clinical significance of this variant remains unclear.